The following is an entry in ClinVar:

NM_030962.4(SBF2):c.43C>T (p.His15Tyr)

Genes: SBF2 (SET binding factor 2; minus strand), LOC130005303 (ATAC-STARR-seq lymphoblastoid silent region 3141; plus strand). Cytogenetic location: 11p15.4.
Variant type: single nucleotide variant.
Coding change: c.43C>T on transcript NM_030962.4 (MANE Select); coding-DNA position 43, C replaced by T.
Protein change: p.His15Tyr; replaces histidine 15 with tyrosine.
Molecular consequence: missense variant.
Genome position (GRCh38, 1-based): chr11:10,294,027, G>A on the plus strand (C>T on the coding strand, the complement: SBF2 is on the minus strand). VCF-style: chr11-10294027-G-A. GRCh37 (hg19) VCF-style: chr11-10315574-G-A.
Other names: c.43C>T, p.His15Tyr (NM_001386339.1, NM_001386342.1); short protein forms H15Y.
Identifiers: ClinVar variation 1371782 (VCV001371782.6), dbSNP rs1324706227, ClinGen allele CA379851575.

ClinVar aggregate classification (germline): Uncertain significance (1 of 4 stars; one submission).

Conditions:
Charcot-Marie-Tooth disease type 4. Also called: Charcot-Marie-Tooth disease, type IV; Charcot-Marie-Tooth, Type 4. Identifiers: Orphanet 64749, MedGen C4082197, MONDO:0018995.

Allele frequency attached by ClinVar (database versions not stated): gnomAD exomes below 0.00001.
gnomAD v4.1: 1 of 1,404,416 alleles (0.000071%); highest among the groups gnomAD compares: South Asian, 0.0016%; no homozygotes.

Submission:

Labcorp Genetics (formerly Invitae), Labcorp
Classification: Uncertain significance for Charcot-Marie-Tooth disease type 4. Last evaluated: 2021-08-02. Review status: criteria provided, single submitter. Criteria: Invitae Variant Classification Sherloc (09022015). Collection method: clinical testing. Allele origin: germline.
Comment: In summary, the available evidence is currently insufficient to determine the role of this variant in disease. Therefore, it has been classified as a Variant of Uncertain Significance. Algorithms developed to predict the effect of missense changes on protein structure and function (SIFT, PolyPhen-2, Align-GVGD) all suggest that this variant is likely to be tolerated. This variant has not been reported in the literature in individuals affected with SBF2-related conditions. The frequency data for this variant in the population databases is considered unreliable, as metrics indicate insufficient coverage at this position in the ExAC database. This sequence change replaces histidine with tyrosine at codon 15 of the SBF2 protein (p.His15Tyr). The histidine residue is weakly conserved and there is a moderate physicochemical difference between histidine and tyrosine.